The following is an entry in ClinVar:

NC_000011.9:g.(?_108098342)_(108117864_?)dup

Genes: ATM (ATM serine/threonine kinase; plus strand), LOC129390352 (MPRA-validated peak1449 silencer; plus strand), LOC129390353 (MPRA-validated peak1450 silencer; plus strand). Cytogenetic location: 11q22.3.
Variant type: Duplication.
Identifiers: ClinVar variation 652378 (VCV000652378.3).

ClinVar aggregate classification (germline): Uncertain significance (1 of 4 stars; one submission).

Conditions:
Ataxia-telangiectasia syndrome (AT). Also called: ATAXIA-TELANGIECTASIA, FRESNO VARIANT; Ataxia-telangiectasia, complementation group E; Ataxia telangiectasia (A-T); Cerebello-oculocutaneous telangiectasia; Immunodeficiency with ataxia telangiectasia; LOUIS-BAR SYNDROME. Identifiers: Orphanet 100, MedGen C0004135, MONDO:0008840, OMIM 208900.

Submission:

Labcorp Genetics (formerly Invitae), Labcorp
Classification: Uncertain significance for Ataxia-telangiectasia syndrome. Last evaluated: 2018-11-11. Review status: criteria provided, single submitter. Criteria: Invitae Variant Classification Sherloc (09022015). Collection method: clinical testing. Allele origin: germline.
Comment: This variant results in a copy number gain of the genomic region encompassing exons 2-8 of the ATM gene. While the exact position of this variant cannot be determined from this data, sub-genic copy number gains are generally in tandem (PMID: 25640679). This variant would be expected to be in-frame, preserving the integrity of the reading frame. This variant has not been reported in the literature in individuals with ATM-related disease. Experimental studies and prediction algorithms are not available for this variant, and the functional significance of the affected amino acid(s) is currently unknown. In summary, the available evidence is currently insufficient to determine the role of this variant in disease. Therefore, it has been classified as a Variant of Uncertain Significance.

Literature cited by the submitters: PubMed 25640679.